The following is an entry in ClinVar:

ClinVar aggregate classification (germline): Uncertain significance (1 of 4 stars; one submission).

Conditions:
Cystic fibrosis (CF). Also called: MUCOVISCIDOSIS. Identifiers: Orphanet 586, MedGen C0010674, MONDO:0009061, OMIM 219700. Disease mechanism: loss of function.

Submission:

Ambry Genetics
Classification: Uncertain significance for Cystic fibrosis. Last evaluated: 2022-12-21. Review status: criteria provided, single submitter. Criteria: Ambry Variant Classification Scheme 2023. Collection method: clinical testing. Allele origin: germline.
Comment: The p.G893R variant (also known as c.2677G>A), located in coding exon 17 of the CFTR gene, results from a G to A substitution at nucleotide position 2677. The glycine at codon 893 is replaced by arginine, an amino acid with dissimilar properties. This amino acid position is conserved. In addition, the in silico prediction for this alteration is inconclusive. Since supporting evidence is limited at this time, the clinical significance of this alteration remains unclear.

NM_000492.4(CFTR):c.2677G>A (p.Gly893Arg)

Gene: CFTR (CF transmembrane conductance regulator; plus strand). Cytogenetic location: 7q31.2.
Variant type: single nucleotide variant.
Coding change: c.2677G>A on transcript NM_000492.4 (MANE Select); coding-DNA position 2677, G replaced by A.
Protein change: p.Gly893Arg; replaces glycine 893 with arginine.
Molecular consequence: missense variant.
Genome position (GRCh38, 1-based): chr7:117,603,551, G>A. VCF-style: chr7-117603551-G-A. GRCh37 (hg19) VCF-style: chr7-117243605-G-A.
Other names: short protein forms G893R.
Identifiers: ClinVar variation 2453630 (VCV002453630.2), dbSNP rs1584817676, ClinGen allele CA368986408.